The following is an entry in ClinVar:

ClinVar aggregate classification (germline): Pathogenic (1 of 4 stars; one submission).

Submission:

Labcorp Genetics (formerly Invitae), Labcorp
Classification: Pathogenic. Last evaluated: 2021-06-06. Review status: criteria provided, single submitter. Criteria: Invitae Variant Classification Sherloc (09022015). Collection method: clinical testing. Allele origin: germline.
Comment: For these reasons, this variant has been classified as Pathogenic. This variant has not been reported in the literature in individuals with MYCN-related conditions. This variant is a gross deletion of the genomic region encompassing exon(s) 2 of the MYCN gene, which includes the initiator codon. The 5' end of this event is unknown as it extends beyond the assayed region for this gene and therefore may encompass additional genes. The 3' boundary is likely confined to intron 2 of the MYCN gene. It is expected to result in an absent or disrupted protein product. Loss-of-function variants in MYCN are known to be pathogenic (PMID: 18470948).

Literature cited by the submitters: PubMed 18470948.

NC_000002.11:g.(?_16082187)_(16082996_?)del

Gene: MYCN (MYCN proto-oncogene, bHLH transcription factor; plus strand). Cytogenetic location: 2p24.3.
Variant type: Deletion.
Identifiers: ClinVar variation 1459141 (VCV001459141.4).